The following is an entry in ClinVar:

ClinVar aggregate classification (germline): Uncertain significance (1 of 4 stars; one submission).

Submission:

GeneDx
Classification: Uncertain significance. Last evaluated: 2025-04-21. Review status: criteria provided, single submitter. Criteria: GeneDx Variant Classification Process June 2021. Collection method: clinical testing. Allele origin: germline. Affected: yes.
Comment: In silico analysis indicates that this missense variant does not alter protein structure/function; Has not been previously published as pathogenic or benign to our knowledge

NM_033517.1:c.250C>T

Gene: SHANK3 (SH3 and multiple ankyrin repeat domains 3; plus strand).
Variant type: single nucleotide variant.
Other names: c.250C>T (NM_033517.1).
Identifiers: ClinVar variation 4527189 (VCV004527189.1).